The following is an entry in ClinVar:

NM_002769.5(PRSS1):c.509A>T (p.Lys170Met)

Genes: PRSS1 (serine protease 1; plus strand), TRB (T cell receptor beta locus; plus strand). Cytogenetic location: 7q34.
Variant type: single nucleotide variant.
Coding change: c.509A>T on transcript NM_002769.5 (MANE Select); coding-DNA position 509, A replaced by T.
Protein change: p.Lys170Met; replaces lysine 170 with methionine.
Molecular consequence: missense variant. On other transcripts: non-coding transcript variant (5).
Genome position (GRCh38, 1-based): chr7:142,752,485, A>T. VCF-style: chr7-142752485-A-T. GRCh37 (hg19) VCF-style: chr7-142460336-A-T.
Other names: short protein forms K170M.
Identifiers: ClinVar variation 1745314 (VCV001745314.3), dbSNP rs767634678, ClinGen allele CA4530042.

ClinVar aggregate classification (germline): Uncertain significance (1 of 4 stars; one submission).

Conditions:
Hereditary pancreatitis (PCTT). Also called: Hereditary chronic pancreatitis; PRSS1-Related Hereditary Pancreatitis. Identifiers: Orphanet 676, MedGen C0238339, MONDO:0008185, OMIM 167800.

Allele frequency attached by ClinVar (database versions not stated): ExAC 0.00002.

Submission:

Ambry Genetics
Classification: Uncertain significance for Hereditary pancreatitis. Last evaluated: 2024-09-16. Review status: criteria provided, single submitter. Criteria: Ambry Variant Classification Scheme 2023. Collection method: clinical testing. Allele origin: germline.
Comment: The p.K170M variant (also known as c.509A>T), located in coding exon 4 of the PRSS1 gene, results from an A to T substitution at nucleotide position 509. The lysine at codon 170 is replaced by methionine, an amino acid with similar properties. This amino acid position is conserved. In addition, this alteration is predicted to be tolerated by in silico analysis. Since supporting evidence is limited at this time, the clinical significance of this alteration remains unclear.